The following is an entry in ClinVar:

ClinVar aggregate classification (germline): Pathogenic (1 of 4 stars; one submission).

Conditions:
Joubert syndrome. Also called: CEREBELLOPARENCHYMAL DISORDER IV; JOUBERT-BOLTSHAUSER SYNDROME; Familial aplasia of the vermis. Identifiers: Orphanet 475, MedGen C5979921, MONDO:0018772.

Submission:

Labcorp Genetics (formerly Invitae), Labcorp
Classification: Pathogenic for Joubert syndrome. Last evaluated: 2024-03-16. Review status: criteria provided, single submitter. Criteria: Invitae Variant Classification Sherloc (09022015). Collection method: clinical testing. Allele origin: germline.
Comment: This sequence change creates a premature translational stop signal (p.Gln215*) in the AHI1 gene. It is expected to result in an absent or disrupted protein product. Loss-of-function variants in AHI1 are known to be pathogenic (PMID: 15322546, 16453322, 28442542, 29186038). This variant is present in population databases (no rsID available, gnomAD 0.0009%). This variant has not been reported in the literature in individuals affected with AHI1-related conditions. For these reasons, this variant has been classified as Pathogenic.

Literature cited by the submitters: PubMed 15322546; PubMed 16453322; PubMed 28442542; PubMed 29186038.

NM_001134831.2(AHI1):c.643C>T (p.Gln215Ter)

Gene: AHI1 (Abelson helper integration site 1; minus strand). Cytogenetic location: 6q23.3.
Variant type: single nucleotide variant.
Coding change: c.643C>T on transcript NM_001134831.2 (MANE Select); coding-DNA position 643, C replaced by T.
Protein change: p.Gln215Ter; replaces glutamine 215 with a stop codon.
Molecular consequence: nonsense.
Genome position (GRCh38, 1-based): chr6:135,465,920, G>A on the plus strand (C>T on the coding strand, the complement: AHI1 is on the minus strand). VCF-style: chr6-135465920-G-A. GRCh37 (hg19) VCF-style: chr6-135787058-G-A.
Other names: c.643C>T, p.Gln215Ter (NM_001134830.2, NM_001134832.2, NM_001350503.2 and 2 more transcripts); short protein forms Q215*.
Identifiers: ClinVar variation 3646209 (VCV003646209.2).